The following is an entry in ClinVar:

ClinVar aggregate classification (germline): Uncertain significance. Review status: criteria provided, multiple submitters, no conflicts (2 of 4 stars). 2 submissions from 2 submitters: Uncertain significance (2). Last evaluated 2022-06-04.

Conditions:
Inborn genetic diseases. Identifiers: MedGen C0950123, MeSH D030342.

Allele frequency attached by ClinVar (database versions not stated): ExAC 0.00003; gnomAD 0.00011; gnomAD exomes 0.00013; TOPMed 0.00016.
gnomAD v4.1: 214 of 1,613,826 alleles (0.013%); highest among the groups gnomAD compares: Non-Finnish European, 0.016%; no homozygotes.

Submissions (2):

Labcorp Genetics (formerly Invitae), Labcorp
Classification: Uncertain significance. Last evaluated: 2022-06-04. Review status: criteria provided, single submitter. Criteria: Invitae Variant Classification Sherloc (09022015). Collection method: clinical testing. Allele origin: germline.
Comment: This variant has not been reported in the literature in individuals affected with MAPKBP1-related conditions. This sequence change replaces valine, which is neutral and non-polar, with glycine, which is neutral and non-polar, at codon 940 of the MAPKBP1 protein (p.Val940Gly). This variant is present in population databases (rs765783746, gnomAD 0.009%). Algorithms developed to predict the effect of missense changes on protein structure and function are either unavailable or do not agree on the potential impact of this missense change (SIFT: "Tolerated"; PolyPhen-2: "Possibly Damaging"; Align-GVGD: "Class C0"). In summary, the available evidence is currently insufficient to determine the role of this variant in disease. Therefore, it has been classified as a Variant of Uncertain Significance.

Ambry Genetics
Classification: Uncertain significance for Inborn genetic diseases. Last evaluated: 2021-08-17. Review status: criteria provided, single submitter. Criteria: Ambry Variant Classification Scheme 2023. Collection method: clinical testing. Allele origin: germline.

NM_014994.3(MAPKBP1):c.2801T>G (p.Val934Gly)

Gene: MAPKBP1 (mitogen-activated protein kinase binding protein 1; plus strand). Cytogenetic location: 15q15.1.
Variant type: single nucleotide variant.
Coding change: c.2801T>G on transcript NM_014994.3 (MANE Select); coding-DNA position 2801, T replaced by G.
Protein change: p.Val934Gly; replaces valine 934 with glycine.
Molecular consequence: missense variant. On other transcripts: non-coding transcript variant (2).
Genome position (GRCh38, 1-based): chr15:41,821,666, T>G. VCF-style: chr15-41821666-T-G. GRCh37 (hg19) VCF-style: chr15-42113864-T-G.
Other names: c.2819T>G, p.Val940Gly (NM_001128608.2); c.2801T>G, p.Val934Gly (NM_001265611.2); c.2819T>G (NM_001128608.1); short protein forms V934G, V940G.
Identifiers: ClinVar variation 2194396 (VCV002194396.5), dbSNP rs765783746, ClinGen allele CA7498380.